The following is an entry in ClinVar:

NM_004311.4(ARL3):c.288C>T (p.Asp96=)

Gene: ARL3 (ARF like GTPase 3; minus strand). Cytogenetic location: 10q24.32.
Variant type: single nucleotide variant.
Coding change: c.288C>T on transcript NM_004311.4 (MANE Select); coding-DNA position 288, C replaced by T.
Protein change: p.Asp96=; no amino-acid change (aspartic acid 96 retained).
Molecular consequence: synonymous variant.
Genome position (GRCh38, 1-based): chr10:102,689,920, G>A on the plus strand (C>T on the coding strand, the complement: ARL3 is on the minus strand). VCF-style: chr10-102689920-G-A. GRCh37 (hg19) VCF-style: chr10-104449677-G-A.
Other names: c.288C>T (NM_004311.3).
Identifiers: ClinVar variation 1956774 (VCV001956774.6), dbSNP rs201727171, ClinGen allele CA5668472.
Genomic context (GRCh38, chr10:102,689,920, plus strand): 5'-ATAAGAACTTTGATATAAAAAAGAATTATTTACCTGACCCGTCTCTTCAAATCTTTTTCT[G>A]TCTGCACTGTCGATTACATATATCTATAAAGGAAAAGAAGAAGGTTATTTCAGTGAGCAG-3'
Protein context (NP_004302.1, residues 86-106): DILIYVIDSA[Asp96=]RKRFEETGQE

ClinVar aggregate classification (germline): Likely benign. Review status: criteria provided, multiple submitters, no conflicts (2 of 4 stars). 2 submissions from 2 submitters: Likely benign (2). Last evaluated 2026-07-14.

Conditions:
ARL3-related disorder. Also called: ARL3-related condition.

Allele frequency attached by ClinVar (database versions not stated): gnomAD exomes below 0.00001; ExAC 0.00002; gnomAD 0.00002; 1000 Genomes Project 30x 0.00047; 1000 Genomes Project 0.00060.
gnomAD v4.1: 5 of 1,597,634 alleles (0.00031%); highest among the groups gnomAD compares: African/African-American, 0.0067%; no homozygotes.

Submissions (2):

PreventionGenetics, part of Exact Sciences
Classification: Likely benign for ARL3-related condition. Last evaluated: 2026-07-14. Review status: criteria provided, single submitter. Criteria: ACMG Guidelines, 2015. Collection method: clinical testing. Allele origin: germline.
Comment: This variant is classified as likely benign based on ACMG/AMP sequence variant interpretation guidelines (Richards et al. 2015 PMID: 25741868, with internal and published modifications).

Labcorp Genetics (formerly Invitae), Labcorp
Classification: Likely benign. Last evaluated: 2022-09-27. Review status: criteria provided, single submitter. Criteria: Invitae Variant Classification Sherloc (09022015). Collection method: clinical testing. Allele origin: germline.